The following is an entry in ClinVar:

ClinVar aggregate classification (germline): Benign/Likely benign. Review status: criteria provided, single submitter (1 of 4 stars). 2 submissions from 1 submitter: Benign (1); Likely benign (1). Last evaluated 2018-01-13.

Conditions:
Gastrointestinal stromal tumor. Also called: Gastrointestinal stromal tumor, somatic; Gastrointestinal stroma tumor. Identifiers: Orphanet 44890, MedGen C0238198, MeSH D046152, MONDO:0011719, OMIM 606764, HP:0100723.
Idiopathic hypereosinophilic syndrome (HES). Identifiers: Orphanet 3260, MedGen C0206141, MONDO:0011895, OMIM 607685. Disease mechanism: gain of function.

Allele frequency attached by ClinVar (database versions not stated): gnomAD 0.00001 and 0.00051; TOPMed 0.00009; gnomAD exomes 0.00023; 1000 Genomes Project 0.00280; 1000 Genomes Project 30x 0.00312.
gnomAD v4.1: 95 of 232,520 alleles (0.041%); highest among the groups gnomAD compares: South Asian, 1.7%; 1 homozygote.

Submissions (2):

Illumina Laboratory Services, Illumina
Classification: Likely benign for Gastrointestinal stromal tumor. Last evaluated: 2018-01-13. Review status: criteria provided, single submitter. Criteria: ICSL Variant Classification Criteria 13 December 2019. Collection method: clinical testing. Allele origin: germline.
Comment: This variant was observed in the ICSL laboratory as part of a predisposition screen in an ostensibly healthy population. It had not been previously curated by ICSL or reported in the Human Gene Mutation Database (HGMD: prior to June 1st, 2018), and was therefore a candidate for classification through an automated scoring system. Utilizing variant allele frequency, disease prevalence and penetrance estimates, and inheritance mode, an automated score was calculated to assess if this variant is too frequent to cause the disease. Based on the score and internal cut-off values, a variant classified as likely benign is not then subjected to further curation. The score for this variant resulted in a classification of likely benign for this disease.

Illumina Laboratory Services, Illumina
Classification: Benign for Idiopathic hypereosinophilic syndrome. Last evaluated: 2018-01-13. Review status: criteria provided, single submitter. Criteria: ICSL Variant Classification Criteria 13 December 2019. Collection method: clinical testing. Allele origin: germline.
Comment: This variant was observed in the ICSL laboratory as part of a predisposition screen in an ostensibly healthy population. It had not been previously curated by ICSL or reported in the Human Gene Mutation Database (HGMD: prior to June 1st, 2018), and was therefore a candidate for classification through an automated scoring system. Utilizing variant allele frequency, disease prevalence and penetrance estimates, and inheritance mode, an automated score was calculated to assess if this variant is too frequent to cause the disease. Based on the score and internal cut-off values, a variant classified as benign is not then subjected to further curation. The score for this variant resulted in a classification of benign for this disease.

NM_006206.6(PDGFRA):c.*793C>T

Gene: PDGFRA (platelet derived growth factor receptor alpha; plus strand). Cytogenetic location: 4q12.
Variant type: single nucleotide variant.
Coding change: c.*793C>T on transcript NM_006206.6 (MANE Select); 793 bases downstream of the stop codon, C replaced by T.
Molecular consequence: 3 prime UTR variant.
Genome position (GRCh38, 1-based): chr4:54,296,065, C>T. VCF-style: chr4-54296065-C-T. GRCh37 (hg19) VCF-style: chr4-55162232-C-T.
Other names: c.*793C>T (NM_001347828.2, NM_001347829.2, NM_001347830.2).
Identifiers: ClinVar variation 348920 (VCV000348920.5), dbSNP rs557191329, ClinGen allele CA10621196.